The following is an entry in ClinVar:

NM_004281.4(BAG3):c.1012C>T (p.Pro338Ser)

Gene: BAG3 (BAG cochaperone 3; plus strand). Cytogenetic location: 10q26.11.
Variant type: single nucleotide variant.
Coding change: c.1012C>T on transcript NM_004281.4 (MANE Select); coding-DNA position 1012, C replaced by T.
Protein change: p.Pro338Ser; replaces proline 338 with serine.
Molecular consequence: missense variant.
Genome position (GRCh38, 1-based): chr10:119,676,566, C>T. VCF-style: chr10-119676566-C-T. GRCh37 (hg19) VCF-style: chr10-121436078-C-T.
Other names: c.1012C>T (NM_004281.3); short protein forms P338S.
Identifiers: ClinVar variation 1053443 (VCV001053443.10), dbSNP rs1319754171, ClinGen allele CA378296459.

ClinVar aggregate classification (germline): Uncertain significance. Review status: criteria provided, multiple submitters, no conflicts (2 of 4 stars). 2 submissions from 2 submitters: Uncertain significance (2). Last evaluated 2025-05-13.

Conditions:
Dilated cardiomyopathy 1HH (CMD1HH). Identifiers: Orphanet 154, MedGen C3151293, MONDO:0013479, OMIM 613881.
Myofibrillar myopathy 6. Identifiers: Orphanet 199340, MedGen C2751831, MONDO:0013061, OMIM 612954.

Allele frequency attached by ClinVar (database versions not stated): gnomAD exomes below 0.00001; gnomAD 0.00001; TOPMed 0.00001.
gnomAD v4.1: 4 of 1,613,966 alleles (0.00025%); highest among the groups gnomAD compares: Non-Finnish European, 0.00034%; no homozygotes.

Submissions (2):

GeneDx
Classification: Uncertain significance. Last evaluated: 2025-05-13. Review status: criteria provided, single submitter. Criteria: GeneDx Variant Classification Process June 2021. Collection method: clinical testing. Allele origin: germline. Affected: yes.
Comment: Not observed at significant frequency in large population cohorts (gnomAD); In silico analysis supports that this missense variant has a deleterious effect on protein structure/function; Has not been previously published as pathogenic or benign to our knowledge

Labcorp Genetics (formerly Invitae), Labcorp
Classification: Uncertain significance for Dilated cardiomyopathy 1HH; Myofibrillar myopathy 6. Last evaluated: 2024-10-12. Review status: criteria provided, single submitter. Criteria: Invitae Variant Classification Sherloc (09022015). Collection method: clinical testing. Allele origin: germline.
Comment: This sequence change replaces proline, which is neutral and non-polar, with serine, which is neutral and polar, at codon 338 of the BAG3 protein (p.Pro338Ser). This variant is present in population databases (no rsID available, gnomAD 0.0009%). This variant has not been reported in the literature in individuals affected with BAG3-related conditions. ClinVar contains an entry for this variant (Variation ID: 1053443). Invitae Evidence Modeling of protein sequence and biophysical properties (such as structural, functional, and spatial information, amino acid conservation, physicochemical variation, residue mobility, and thermodynamic stability) has been performed for this missense variant. However, the output from this modeling did not meet the statistical confidence thresholds required to predict the impact of this variant on BAG3 protein function. In summary, the available evidence is currently insufficient to determine the role of this variant in disease. Therefore, it has been classified as a Variant of Uncertain Significance.